The following is an entry in ClinVar:

NM_001080467.3(MYO5B):c.5062A>G (p.Met1688Val)

Genes: MYO5B (myosin VB; minus strand), SNHG22 (small nucleolar RNA host gene 22; plus strand). Cytogenetic location: 18q21.1.
Variant type: single nucleotide variant.
Coding change: c.5062A>G on transcript NM_001080467.3 (MANE Select); coding-DNA position 5062, A replaced by G.
Protein change: p.Met1688Val; replaces methionine 1688 with valine.
Molecular consequence: missense variant.
Genome position (GRCh38, 1-based): chr18:49,837,593, T>C on the plus strand (A>G on the coding strand, the complement: MYO5B is on the minus strand). VCF-style: chr18-49837593-T-C. GRCh37 (hg19) VCF-style: chr18-47363963-T-C.
Other names: short protein forms M1688V.
Identifiers: ClinVar variation 327001 (VCV000327001.15), dbSNP rs112417235, ClinGen allele CA8960157.

ClinVar aggregate classification (germline): Benign. Review status: criteria provided, multiple submitters, no conflicts (2 of 4 stars). 4 submissions from 4 submitters: Benign (4). Last evaluated 2026-02-01.

Conditions:
Congenital microvillous atrophy (DIAR2). Also called: DAVIDSON DISEASE; MICROVILLUS ATROPHY, CONGENITAL; Microvillus inclusion disease; Diarrhea 2 with microvillus atrophy, with or without cholestasis; CONGENITAL FAMILIAL PROTRACTED DIARRHEA WITH ENTEROCYTE BRUSH-BORDER ABNORMALITIES. Identifiers: Orphanet 2290, MedGen C0341306, MONDO:0009635, OMIM 251850.

Allele frequency attached by ClinVar (database versions not stated): 1000 Genomes Project 30x 0.01562; 1000 Genomes Project 0.01637; TOPMed 0.02016; gnomAD 0.02197 and 0.02218; ESP Exome Variant Server 0.02257.

Submissions (4):

Labcorp Genetics (formerly Invitae), Labcorp
Classification: Benign. Last evaluated: 2026-02-01. Review status: criteria provided, single submitter. Criteria: Invitae Variant Classification Sherloc (09022015). Collection method: clinical testing. Allele origin: germline.

Mayo Clinic Laboratories, Mayo Clinic
Classification: Benign. Last evaluated: 2023-12-08. Review status: criteria provided, single submitter. Criteria: ACMG Guidelines, 2015. Collection method: clinical testing. Allele origin: germline. Observed: 4 variant alleles.
Comment: BS1, BS2, BP4_strong

Illumina Laboratory Services, Illumina
Classification: Benign for Congenital microvillous atrophy. Last evaluated: 2018-01-13. Review status: criteria provided, single submitter. Criteria: ICSL Variant Classification Criteria 13 December 2019. Collection method: clinical testing. Allele origin: germline.
Comment: This variant was observed in the ICSL laboratory as part of a predisposition screen in an ostensibly healthy population. It had not been previously curated by ICSL or reported in the Human Gene Mutation Database (HGMD: prior to June 1st, 2018), and was therefore a candidate for classification through an automated scoring system. Utilizing variant allele frequency, disease prevalence and penetrance estimates, and inheritance mode, an automated score was calculated to assess if this variant is too frequent to cause the disease. Based on the score and internal cut-off values, a variant classified as benign is not then subjected to further curation. The score for this variant resulted in a classification of benign for this disease.

Breakthrough Genomics
Classification: Benign. Review status: criteria provided, single submitter. Criteria: ACMG Guidelines, 2015. Collection method: not provided. Allele origin: germline. Inheritance: Autosomal recessive inheritance. Affected: yes.